The following is an entry in ClinVar:

ClinVar aggregate classification (germline): Uncertain significance (1 of 4 stars; one submission).

Conditions:
EMILIN1-related disorder. Also called: EMILIN1-related condition.

Submission:

PreventionGenetics, part of Exact Sciences
Classification: Uncertain significance for EMILIN1-related condition. Last evaluated: 2026-01-27. Review status: criteria provided, single submitter. Criteria: ACMG Guidelines, 2015. Collection method: clinical testing. Allele origin: germline.
Comment: The EMILIN1 c.2662C>G variant is predicted to result in the amino acid substitution p.Pro888Ala. To our knowledge, this variant has not been reported in the literature or in a large population database (gnomAD), indicating this variant is rare. At this time, the clinical significance of this variant is uncertain due to the absence of conclusive functional and genetic evidence.

NM_007046.4(EMILIN1):c.2662C>G (p.Pro888Ala)

Gene: EMILIN1 (elastin microfibril interfacer 1; plus strand). Cytogenetic location: 2p23.3.
Variant type: single nucleotide variant.
Coding change: c.2662C>G on transcript NM_007046.4 (MANE Select); coding-DNA position 2662, C replaced by G.
Protein change: p.Pro888Ala; replaces proline 888 with alanine.
Molecular consequence: missense variant.
Genome position (GRCh38, 1-based): chr2:27,085,246, C>G. VCF-style: chr2-27085246-C-G. GRCh37 (hg19) VCF-style: chr2-27308114-C-G.
Other names: short protein forms P888A.
Identifiers: ClinVar variation 4977108 (VCV004977108.1).